The following is an entry in ClinVar:

ClinVar aggregate classification (germline): Uncertain significance (1 of 4 stars; one submission).

Conditions:
Ataxia-telangiectasia syndrome (AT). Also called: Cerebello-oculocutaneous telangiectasia; Immunodeficiency with ataxia telangiectasia; Ataxia-telangiectasia; LOUIS-BAR SYNDROME; Ataxia-telangiectasia, complementation group E; Ataxia telangiectasia (A-T). Identifiers: Orphanet 100, MedGen C0004135, MONDO:0008840, OMIM 208900.

Submission:

Labcorp Genetics (formerly Invitae), Labcorp
Classification: Uncertain significance for Ataxia-telangiectasia syndrome. Last evaluated: 2017-01-19. Review status: criteria provided, single submitter. Criteria: Invitae Variant Classification Sherloc (09022015). Collection method: clinical testing. Allele origin: germline.
Comment: This variant is a gross duplication of the genomic region encompassing exons 62-63 of the ATM gene. The 5' boundary is likely confined to intron 61. The 3' end of this event is unknown as it extends beyond the assayed region for this gene and therefore may encompass additional genes. A similar duplication involving exons 62 and 63 (referred to as DupEx64+65) has been reported in an individual affected with ataxia-telangiectasia who also carried a pathogenic nonsense variant in ATM (PMID: 25122203). However, it was not determined whether these variants are on the same or opposite chromosomes. Experimental studies and prediction algorithms are not available for this variant, and the functional significance of the duplicated exons is currently unknown. In summary, the genomic location of this duplication is unknown and the impact of this variant on ATM protein function has not been established. Therefore, it has been classified as a Variant of Uncertain Significance.

NM_000051.3(ATM):c.8851-?_*3591dup3912

Genes: ATM (ATM serine/threonine kinase; plus strand), C11orf65 (chromosome 11 open reading frame 65; minus strand). Cytogenetic location: 11q22.3.
Variant type: Duplication.
Coding change: c.8851-?_*3591dup3912 on transcript NM_000051.3.
Identifiers: ClinVar variation 429035 (VCV000429035.1).